The following is an entry in ClinVar:

ClinVar aggregate classification (germline): Pathogenic/Likely pathogenic. Review status: criteria provided, multiple submitters, no conflicts (2 of 4 stars). 3 submissions from 3 submitters: Pathogenic (2); Likely pathogenic (1). Last evaluated 2022-06-27.

Conditions:
Hereditary cancer-predisposing syndrome. Also called: Tumor predisposition; Neoplastic Syndromes, Hereditary; Hereditary neoplastic syndrome; Hereditary Cancer Syndrome. Identifiers: Orphanet 140162, MedGen C0027672, MeSH D009386, MONDO:0015356.
Ataxia-telangiectasia syndrome (AT). Also called: Ataxia-telangiectasia, complementation group D; AT, COMPLEMENTATION GROUP C; ATAXIA-TELANGIECTASIA, COMPLEMENTATION GROUP A; ATAXIA-TELANGIECTASIA, FRESNO VARIANT; Ataxia-telangiectasia; Ataxia telangiectasia (A-T). Identifiers: Orphanet 100, MedGen C0004135, MONDO:0008840, OMIM 208900.

Submissions (3):

Labcorp Genetics (formerly Invitae), Labcorp
Classification: Pathogenic for Ataxia-telangiectasia syndrome. Last evaluated: 2022-06-27. Review status: criteria provided, single submitter. Criteria: Invitae Variant Classification Sherloc (09022015). Collection method: clinical testing. Allele origin: germline.
Comment: This variant disrupts a region of the ATM protein in which other variant(s) (p.Arg2993*) have been determined to be pathogenic (PMID: 12815592, 16238588, 17124347, 20840352, 23322442, 23774824). This suggests that this is a clinically significant region of the protein, and that variants that disrupt it are likely to be disease-causing. For these reasons, this variant has been classified as Pathogenic. ClinVar contains an entry for this variant (Variation ID: 920840). This variant has not been reported in the literature in individuals affected with ATM-related conditions. This variant is not present in population databases (gnomAD no frequency). This sequence change creates a premature translational stop signal (p.Asn2985Leufs*2) in the ATM gene. While this is not anticipated to result in nonsense mediated decay, it is expected to disrupt the last 72 amino acid(s) of the ATM protein.

Ambry Genetics
Classification: Likely pathogenic for Hereditary cancer-predisposing syndrome. Last evaluated: 2020-05-14. Review status: criteria provided, single submitter. Criteria: Ambry Variant Classification Scheme 2023. Collection method: clinical testing. Allele origin: germline.
Comment: The c.8947_8951dupACTCT variant, located in coding exon 61 of the ATM gene, results from a duplication of ACTCT at nucleotide position 8947, causing a translational frameshift with a predicted alternate stop codon (p.N2985Lfs*2). This mutation alters the sequence of the FATC domain of the ATM protein which has been shown to be necessary for ATM regulation (Jiang XJ et al. Biol. Chem. 2006 Jun;281(23):15741-6). In addition, several protein truncating mutations associated with ataxia telangiectasia downstream of this alteration have been reported in the literature (Broeks A et al. Hum. Mutat. 1998;12:330-7; Laake K et al. Hum. Mutat. 2000; 16:232-46). Based on the majority of available evidence to date, this variant is likely to be pathogenic.

Color Diagnostics, LLC DBA Color Health
Classification: Pathogenic for Hereditary cancer-predisposing syndrome. Last evaluated: 2020-01-15. Review status: criteria provided, single submitter. Criteria: ACMG Guidelines, 2015. Collection method: clinical testing. Allele origin: germline.
Comment: This variant inserts 5 nucleotides in exon 62 of the ATM gene, creating a frameshift and premature translation stop signal. This variant is expected to result in an absent or non-functional protein product. This variant has not been identified in the general population by the Genome Aggregation Database (gnomAD). Loss of ATM function is a known mechanism of disease. Based on the available evidence, this variant is classified as Pathogenic.

Literature cited by the submitters: PubMed 12815592 (cited by Labcorp Genetics (formerly Invitae), Labcorp); PubMed 16238588 (cited by Labcorp Genetics (formerly Invitae), Labcorp); PubMed 17124347 (cited by Labcorp Genetics (formerly Invitae), Labcorp); PubMed 20840352 (cited by Labcorp Genetics (formerly Invitae), Labcorp); PubMed 23322442 (cited by Labcorp Genetics (formerly Invitae), Labcorp); PubMed 23774824 (cited by Labcorp Genetics (formerly Invitae), Labcorp).

NM_000051.4(ATM):c.8947_8951dup (p.Asn2985fs)

Genes: ATM (ATM serine/threonine kinase; plus strand), C11orf65 (chromosome 11 open reading frame 65; minus strand). Cytogenetic location: 11q22.3.
Variant type: Duplication.
Coding change: c.8947_8951dup on transcript NM_000051.4 (MANE Select); coding-DNA positions 8947 to 8951, 5 bases duplicated (ACTCT; older notation c.8947_8951dupACTCT).
Protein change: p.Asn2985fs; shifts the reading frame from asparagine 2985.
Molecular consequence: frameshift variant. On other transcripts: intron variant (2).
Genome position (GRCh38, 1-based): chr11:108,365,178-108,365,182, ACTCT duplicated; duplicating any 5 consecutive bases within chr11:108,365,176-108,365,182 gives the same sequence; the c. name uses the placement nearest the transcript's 3' end. VCF-style (leftmost placement, unchanged base first): chr11-108365175-C-CCTACT. GRCh37 (hg19) VCF-style: chr11-108235902-C-CCTACT.
Other names: c.8947_8951dupACTCT (NM_000051.3); c.8947_8951dup, p.Asn2985fs (NM_001351834.2); c.640+20740_640+20744dup (NM_001330368.2); c.694+20740_694+20744dup (NM_001351110.2); short protein forms N2985fs.
Identifiers: ClinVar variation 920840 (VCV000920840.12), dbSNP rs2091211325, ClinGen allele CA913188458.